The following is an entry in ClinVar:

NM_030916.3(NECTIN4):c.1478G>C (p.Arg493Pro)

Gene: NECTIN4 (nectin cell adhesion molecule 4; minus strand). Cytogenetic location: 1q23.3.
Variant type: single nucleotide variant.
Coding change: c.1478G>C on transcript NM_030916.3 (MANE Select); coding-DNA position 1478, G replaced by C.
Protein change: p.Arg493Pro; replaces arginine 493 with proline.
Molecular consequence: missense variant.
Genome position (GRCh38, 1-based): chr1:161,072,716, C>G on the plus strand (G>C on the coding strand, the complement: NECTIN4 is on the minus strand). VCF-style: chr1-161072716-C-G. GRCh37 (hg19) VCF-style: chr1-161042506-C-G.
Other names: short protein forms R493P.
Identifiers: ClinVar variation 1029983 (VCV001029983.1), dbSNP rs753298397, ClinGen allele CA343344819.

ClinVar aggregate classification (germline): Uncertain significance (1 of 4 stars; one submission).

Conditions:
Ectodermal dysplasia-syndactyly syndrome 1 (EDSS1). Identifiers: Orphanet 247820, MedGen C3150807, MONDO:0024565, OMIM 613573.

Submission:

Baylor Genetics
Classification: Uncertain significance for Ectodermal dysplasia-syndactyly syndrome 1. Last evaluated: 2020-06-03. Review status: criteria provided, single submitter. Criteria: ACMG Guidelines, 2015. Collection method: clinical testing. Allele origin: unknown. Affected: yes.
Comment: This variant was determined to be of uncertain significance according to ACMG Guidelines, 2015 [PMID:25741868].